The following is an entry in ClinVar:

NM_024915.4(GRHL2):c.1004-2A>C

Gene: GRHL2 (grainyhead like transcription factor 2; plus strand). Cytogenetic location: 8q22.3.
Variant type: single nucleotide variant.
Coding change: c.1004-2A>C on transcript NM_024915.4 (MANE Select); the canonical splice acceptor site of the intron before coding-DNA position 1004, A replaced by C.
Molecular consequence: splice acceptor variant.
Genome position (GRCh38, 1-based): chr8:101,599,055, A>C. VCF-style: chr8-101599055-A-C. GRCh37 (hg19) VCF-style: chr8-102611283-A-C.
Other names: c.956-2A>C (NM_001330593.2).
Identifiers: ClinVar variation 2584500 (VCV002584500.1), dbSNP rs2536894969, ClinGen allele CA371645269.

ClinVar aggregate classification (germline): Likely pathogenic (1 of 4 stars; one submission).

Conditions:
GRHL2-related disorder. Also called: GRHL2-related condition; GRHL2-related disorders.

Submission:

Rady Children's Institute for Genomic Medicine, Rady Children's Hospital San Diego
Classification: Likely pathogenic for GRHL2-related disorders. Review status: criteria provided, single submitter. Criteria: ACMG Guidelines, 2015. Collection method: clinical testing. Allele origin: germline. Affected: yes.
Comment: This variant affects the canonical splice acceptor site of intron 7 of 15 and is therefore predicted to interfere with splicing and result in loss of normal protein function through either protein truncation or nonsense-mediated mRNA decay (NMD). This variant has not been previously reported or functionally characterized in the literature to our knowledge. The GRHL2 gene is constrained against loss-of-function variation (pLI = 1.0), and loss-of-function variants have been reported in individuals with disease (PMID:33810548). It is absent from the gnomAD population database and thus is presumed to be rare. Based on the available evidence, the c.1004-2A>C variant is classified as Likely Pathogenic.